The following is an entry in ClinVar:

NM_014946.4(SPAST):c.966del (p.Ser322fs)

Gene: SPAST (spastin; plus strand). Cytogenetic location: 2p22.3.
Variant type: Deletion.
Coding change: c.966del on transcript NM_014946.4 (MANE Select); coding-DNA position 966, one base deleted (C; older notation c.966delC).
Protein change: p.Ser322fs; shifts the reading frame from serine 322.
Molecular consequence: frameshift variant.
Genome position (GRCh38, 1-based): chr2:32,115,797, C deleted. VCF-style (leftmost placement, unchanged base first): chr2-32115796-GC-G. GRCh37 (hg19) VCF-style: chr2-32340865-GC-G.
Other names: c.963del, p.Ser321fs (NM_001363823.2); c.867del, p.Ser289fs (NM_001363875.2); c.870del, p.Ser290fs (NM_001377959.1, NM_199436.2); short protein forms S289fs, S290fs, S321fs, S322fs.
Identifiers: ClinVar variation 2203037 (VCV002203037.4), dbSNP rs2465838697, ClinGen allele CA2580066389.

ClinVar aggregate classification (germline): Pathogenic (1 of 4 stars; one submission).

Conditions:
Hereditary spastic paraplegia 4. Also called: Familial spastic paraplegia autosomal dominant 2; Spastic paraplegia 4, autosomal dominant; Spastic Paraplegia 4. Identifiers: Orphanet 100985, MedGen C1866855, MONDO:0008438, OMIM 182601.

Submission:

Labcorp Genetics (formerly Invitae), Labcorp
Classification: Pathogenic for Hereditary spastic paraplegia 4. Last evaluated: 2022-09-10. Review status: criteria provided, single submitter. Criteria: Invitae Variant Classification Sherloc (09022015). Collection method: clinical testing. Allele origin: germline.
Comment: For these reasons, this variant has been classified as Pathogenic. This premature translational stop signal has been observed in individual(s) with hereditary spastic paraplegia (PMID: 25341883). This variant is not present in population databases (gnomAD no frequency). This sequence change creates a premature translational stop signal (p.Ser322Argfs*7) in the SPAST gene. It is expected to result in an absent or disrupted protein product. Loss-of-function variants in SPAST are known to be pathogenic (PMID: 20932283).

Literature cited by the submitters: PubMed 25341883; PubMed 20932283.